The following is an entry in ClinVar:

NM_013338.5(ALG5):c.239-2A>G

Gene: ALG5 (ALG5 dolichyl-phosphate beta-glucosyltransferase; minus strand). Cytogenetic location: 13q13.3.
Variant type: single nucleotide variant.
Coding change: c.239-2A>G on transcript NM_013338.5 (MANE Select); the canonical splice acceptor site of the intron before coding-DNA position 239, A replaced by G.
Molecular consequence: splice acceptor variant.
Genome position (GRCh38, 1-based): chr13:36,995,037, T>C on the plus strand (A>G on the coding strand, the complement: ALG5 is on the minus strand). VCF-style: chr13-36995037-T-C. GRCh37 (hg19) VCF-style: chr13-37569174-T-C.
Other names: c.239-2A>G (NM_001142364.1).
Identifiers: ClinVar variation 3256865 (VCV003256865.1).

ClinVar aggregate classification (germline): Likely pathogenic (1 of 4 stars; one submission).

Conditions:
Polycystic kidney disease 7 (PKD7). Identifiers: MedGen C5774222, MONDO:0031062, OMIM 620056.

gnomAD v4.1: 2 of 1,612,612 alleles (0.00012%); highest among the groups gnomAD compares: Non-Finnish European, 0.00017%; no homozygotes.

Submission:

MVZ Medizinische Genetik Mainz
Classification: Likely pathogenic for Polycystic kidney disease 7. Last evaluated: 2024-05-02. Review status: criteria provided, single submitter. Criteria: UK Practice Guidelines For Variant Classification V4 01 2020. Collection method: clinical testing. Allele origin: germline. Inheritance: Autosomal dominant inheritance. Affected: yes. Observed: 1 variant allele.
Comment: ACMG Criteria: PVS1,PM2_SUP